The following is an entry in ClinVar:

ClinVar aggregate classification (germline): Uncertain significance (1 of 4 stars; one submission).

Allele frequency attached by ClinVar (database versions not stated): TOPMed below 0.00001.
gnomAD v4.1: 4 of 1,613,304 alleles (0.00025%); highest among the groups gnomAD compares: Middle Eastern, 0.017%; no homozygotes.

Submission:

Labcorp Genetics (formerly Invitae), Labcorp
Classification: Uncertain significance. Last evaluated: 2022-07-04. Review status: criteria provided, single submitter. Criteria: Invitae Variant Classification Sherloc (09022015). Collection method: clinical testing. Allele origin: germline.
Comment: In summary, the available evidence is currently insufficient to determine the role of this variant in disease. Therefore, it has been classified as a Variant of Uncertain Significance. Algorithms developed to predict the effect of missense changes on protein structure and function are either unavailable or do not agree on the potential impact of this missense change (SIFT: "Tolerated"; PolyPhen-2: "Not Available"; Align-GVGD: "Class C0"). This variant has not been reported in the literature in individuals affected with TMEM132E-related conditions. This variant is not present in population databases (gnomAD no frequency). This sequence change replaces serine, which is neutral and polar, with glycine, which is neutral and non-polar, at codon 112 of the TMEM132E protein (p.Ser112Gly).

NM_001304438.2(TMEM132E):c.334A>G (p.Ser112Gly)

Gene: TMEM132E (transmembrane protein 132E; plus strand). Cytogenetic location: 17q12.
Variant type: single nucleotide variant.
Coding change: c.334A>G on transcript NM_001304438.2 (MANE Select); coding-DNA position 334, A replaced by G.
Protein change: p.Ser112Gly; replaces serine 112 with glycine.
Molecular consequence: missense variant.
Genome position (GRCh38, 1-based): chr17:34,626,393, A>G. VCF-style: chr17-34626393-A-G. GRCh37 (hg19) VCF-style: chr17-32953412-A-G.
Other names: short protein forms S112G.
Identifiers: ClinVar variation 2415882 (VCV002415882.6), dbSNP rs1567719522, ClinGen allele CA399070624.